The following is an entry in ClinVar:

NM_001308093.3(GATA4):c.448G>A (p.Gly150Arg)

Gene: GATA4 (GATA binding protein 4). Cytogenetic location: 8p23.1.
Variant type: single nucleotide variant.
Coding change: c.448G>A on transcript NM_001308093.3 (MANE Select); coding-DNA position 448, G replaced by A.
Protein change: p.Gly150Arg; replaces glycine 150 with arginine.
Molecular consequence: missense variant. On other transcripts: intron variant (3).
Genome position (GRCh38, 1-based): chr8:11,708,760, G>A. VCF-style: chr8-11708760-G-A. GRCh37 (hg19) VCF-style: chr8-11566269-G-A.
Other names: c.448G>A, p.Gly150Arg (NM_002052.5); c.-6+7982G>A (NM_001308094.2); c.-3+746G>A (NM_001374274.1); c.-3+4456G>A (NM_001374273.1); short protein forms G150R.
Identifiers: ClinVar variation 1979766 (VCV001979766.4), dbSNP rs1024075653, ClinGen allele CA172074874.

ClinVar aggregate classification (germline): Uncertain significance (1 of 4 stars; one submission).

Conditions:
Atrioventricular septal defect 4 (AVSD4). Identifiers: MedGen C3280781, MONDO:0013747, OMIM 614430.

Allele frequency attached by ClinVar (database versions not stated): 1000 Genomes Project 30x 0.00016.
gnomAD v4.1: 3 of 1,414,762 alleles (0.00021%); highest among the groups gnomAD compares: African/African-American, 0.003%; no homozygotes.

Submission:

Labcorp Genetics (formerly Invitae), Labcorp
Classification: Uncertain significance for Atrioventricular septal defect 4. Last evaluated: 2025-11-08. Review status: criteria provided, single submitter. Criteria: Invitae Variant Classification Sherloc (09022015). Collection method: clinical testing. Allele origin: germline.
Comment: This sequence change replaces glycine, which is neutral and non-polar, with arginine, which is basic and polar, at codon 150 of the GATA4 protein (p.Gly150Arg). This variant is not present in population databases (gnomAD no frequency). This variant has not been reported in the literature in individuals affected with GATA4-related conditions. ClinVar contains an entry for this variant (Variation ID: 1979766). Invitae Evidence Modeling of protein sequence and biophysical properties (such as structural, functional, and spatial information, amino acid conservation, physicochemical variation, residue mobility, and thermodynamic stability) indicates that this missense variant is not expected to disrupt GATA4 protein function with a negative predictive value of 95%. This variant disrupts the p.Gly150Trp amino acid residue in GATA4. Other variant(s) that disrupt this residue have been determined to be pathogenic (PMID: 23626780). This suggests that this residue is clinically significant, and that variants that disrupt this residue are likely to be disease-causing. In summary, the available evidence is currently insufficient to determine the role of this variant in disease. Therefore, it has been classified as a Variant of Uncertain Significance.

Literature cited by the submitters: PubMed 23626780.